The following is an entry in ClinVar:

NM_002485.5(NBN):c.772G>A (p.Glu258Lys)

Gene: NBN (nibrin; minus strand). Cytogenetic location: 8q21.3.
Variant type: single nucleotide variant.
Coding change: c.772G>A on transcript NM_002485.5 (MANE Select); coding-DNA position 772, G replaced by A.
Protein change: p.Glu258Lys; replaces glutamic acid 258 with lysine.
Molecular consequence: missense variant.
Genome position (GRCh38, 1-based): chr8:89,970,488, C>T on the plus strand (G>A on the coding strand, the complement: NBN is on the minus strand). VCF-style: chr8-89970488-C-T. GRCh37 (hg19) VCF-style: chr8-90982716-C-T.
Other names: c.526G>A, p.Glu176Lys (NM_001024688.3); short protein forms E258K, E176K.
Identifiers: ClinVar variation 1466308 (VCV001466308.8), dbSNP rs922057169, ClinGen allele CA371658701.
Genomic context (GRCh38, chr8:89,970,488, plus strand): 5'-AGTTTGTTATTCCTGTATCAACAACACACGTTCCCGGAGCCAAAAAGAAATTATGTTCTT[C>T]TTCATTCTCTTCTGTTATCAACCTAGCTTCCCCACCTCCAAAGACAACTGCGGAACTCAA-3'
Protein context (NP_002476.2, residues 248-268): EARLITEENE[Glu258Lys]EHNFFLAPGT

ClinVar aggregate classification (germline): Uncertain significance (1 of 4 stars; one submission).

Conditions:
Microcephaly, normal intelligence and immunodeficiency (NBS). Also called: BERLIN BREAKAGE SYNDROME; Immunodeficiency, microcephaly with normal intelligence; Nijmegen breakage syndrome; Microcephaly with normal intelligence immunodeficiency and lymphoreticular malignancies; Nonsyndromal microcephaly autosomal recessive with normal intelligence; Seemanova syndrome 2. Identifiers: Orphanet 647, MedGen C0398791, MONDO:0009623, OMIM 251260.

Submission:

Labcorp Genetics (formerly Invitae), Labcorp
Classification: Uncertain significance for Microcephaly, normal intelligence and immunodeficiency. Last evaluated: 2021-03-06. Review status: criteria provided, single submitter. Criteria: Invitae Variant Classification Sherloc (09022015). Collection method: clinical testing. Allele origin: germline.
Comment: This sequence change replaces glutamic acid with lysine at codon 258 of the NBN protein (p.Glu258Lys). The glutamic acid residue is weakly conserved and there is a small physicochemical difference between glutamic acid and lysine. This variant is not present in population databases (ExAC no frequency). This variant has not been reported in the literature in individuals with NBN-related conditions. Algorithms developed to predict the effect of missense changes on protein structure and function (SIFT, PolyPhen-2, Align-GVGD) all suggest that this variant is likely to be tolerated, but these predictions have not been confirmed by published functional studies and their clinical significance is uncertain. In summary, the available evidence is currently insufficient to determine the role of this variant in disease. Therefore, it has been classified as a Variant of Uncertain Significance.